The following is an entry in ClinVar:

ClinVar aggregate classification (germline): Likely pathogenic. Review status: criteria provided, multiple submitters, no conflicts (2 of 4 stars). 3 submissions from 3 submitters: Likely pathogenic (3). Last evaluated 2025-06-16.

Conditions:
Intellectual developmental disorder with microcephaly and with or without ocular malformations or hypogonadotropic hypogonadism. Also called: Intellectual disability, autosomal dominant 27; Coffin-Siris Syndrome 9. Identifiers: Orphanet 1465, MedGen C4014528, MONDO:0014376, OMIM 615866.

Submissions (3):

Dasa
Classification: Likely pathogenic. Last evaluated: 2025-06-16. Review status: criteria provided, single submitter. Criteria: DASA Assertion Criteria. Collection method: clinical testing. Allele origin: germline.
Comment: NM_003108.4(SOX11):c.353A>G (p.Tyr118Cys) is a missense variant that results in the substitution of tyrosine with cysteine. The affected residue or protein region has prior evidence supporting clinical relevance. This variant has been reported in individuals with SOX11-related disorders. Also, this variant is absent from population databases. Computational evidence supports a deleterious effect. Based on the currently available evidence, this variant is classified as likely pathogenic.

Center of Human Genetics, Hôpital Erasme
Classification: Likely pathogenic for Intellectual developmental disorder with microcephaly and with or without ocular malformations or hypogonadotropic hypogonadism. Last evaluated: 2025-01-01. Review status: criteria provided, single submitter. Criteria: ACMG Guidelines, 2015. Collection method: clinical testing. Allele origin: de novo. Affected: yes.

Duke University Health System Sequencing Clinic, Duke University Health System
Classification: Likely pathogenic for Intellectual developmental disorder with microcephaly and with or without ocular malformations or hypogonadotropic hypogonadism. Last evaluated: 2023-04-20. Review status: criteria provided, single submitter. Criteria: ACMG Guidelines, 2015. Collection method: research. Allele origin: de novo. Affected: yes.

NM_003108.4(SOX11):c.353A>G (p.Tyr118Cys)

Gene: SOX11 (SRY-box transcription factor 11; plus strand). Cytogenetic location: 2p25.2.
Variant type: single nucleotide variant.
Coding change: c.353A>G on transcript NM_003108.4 (MANE Select); coding-DNA position 353, A replaced by G.
Protein change: p.Tyr118Cys; replaces tyrosine 118 with cysteine.
Molecular consequence: missense variant.
Genome position (GRCh38, 1-based): chr2:5,693,074, A>G. VCF-style: chr2-5693074-A-G. GRCh37 (hg19) VCF-style: chr2-5833206-A-G.
Other names: short protein forms Y118C.
Identifiers: ClinVar variation 2499552 (VCV002499552.5), dbSNP rs1572216329, ClinGen allele CA345866529.